The following is an entry in ClinVar:

NM_000089.4(COL1A2):c.560G>T (p.Gly187Val)

Gene: COL1A2 (collagen type I alpha 2 chain; plus strand). Cytogenetic location: 7q21.3.
Variant type: single nucleotide variant.
Coding change: c.560G>T on transcript NM_000089.4 (MANE Select); coding-DNA position 560, G replaced by T.
Protein change: p.Gly187Val; replaces glycine 187 with valine.
Molecular consequence: missense variant.
Genome position (GRCh38, 1-based): chr7:94,406,269, G>T. VCF-style: chr7-94406269-G-T. GRCh37 (hg19) VCF-style: chr7-94035581-G-T.
Other names: short protein forms G187V.
Identifiers: ClinVar variation 4282366 (VCV004282366.1).

ClinVar aggregate classification (germline): Pathogenic (1 of 4 stars; one submission).

Submission:

GeneDx
Classification: Pathogenic. Last evaluated: 2025-04-14. Review status: criteria provided, single submitter. Criteria: GeneDx Variant Classification Process June 2021. Collection method: clinical testing. Allele origin: germline. Affected: yes.
Comment: Occurs in the triple helical domain and replaces a glycine in a canonical Gly-X-Y repeat; missense substitution of a canonical glycine residue is expected to disrupt normal protein folding and function, and this is an established mechanism of disease (PMID: 34007986); Not observed at significant frequency in large population cohorts (gnomAD); In silico analysis supports that this missense variant has a deleterious effect on protein structure/function; This variant is associated with the following publications: (PMID: 34007986, 30715774, 28904723)